The following is an entry in ClinVar:

NM_001370259.2(MEN1):c.1351-1G>A

Gene: MEN1 (menin 1; minus strand). Cytogenetic location: 11q13.1.
Variant type: single nucleotide variant.
Coding change: c.1351-1G>A on transcript NM_001370259.2 (MANE Select); the canonical splice acceptor site of the intron before coding-DNA position 1351, G replaced by A.
Molecular consequence: splice acceptor variant.
Genome position (GRCh38, 1-based): chr11:64,804,817, C>T on the plus strand (G>A on the coding strand, the complement: MEN1 is on the minus strand). VCF-style: chr11-64804817-C-T. GRCh37 (hg19) VCF-style: chr11-64572289-C-T.
Other names: c.1366-1G>A (NM_130804.3, NM_130803.3, NM_000244.4 and 4 more transcripts); c.1246-1G>A (NM_001407148.1, NM_001407149.1, NM_001370263.2 and 1 more transcripts); c.1351-1G>A (NM_130799.3, NM_001370260.2, NM_001407146.1 and 2 more transcripts); c.1477-1G>A (NM_001407144.1, NM_001370251.2, NM_001407142.1 and 1 more transcripts); c.1372-1G>A (NM_001407151.1); c.1186-1G>A (NM_001407152.1); c.1492-1G>A (NM_001407150.1).
Identifiers: ClinVar variation 241801 (VCV000241801.11), dbSNP rs794728629, ClinGen allele CA10582930.

ClinVar aggregate classification (germline): Pathogenic (1 of 4 stars; one submission).

Conditions:
Multiple endocrine neoplasia, type 1 (MEN1). Also called: MEN I; WERMER SYNDROME; Endocrine adenomatosis multiple; MEN 1; MEA I. Identifiers: Orphanet 652, MedGen C0025267, MeSH D018761, MONDO:0007540, OMIM 131100.

Submission:

Labcorp Genetics (formerly Invitae), Labcorp
Classification: Pathogenic for Multiple endocrine neoplasia, type 1. Last evaluated: 2023-03-26. Review status: criteria provided, single submitter. Criteria: Invitae Variant Classification Sherloc (09022015). Collection method: clinical testing. Allele origin: germline.
Comment: For these reasons, this variant has been classified as Pathogenic. Variants that disrupt the consensus splice site are a relatively common cause of aberrant splicing (PMID: 17576681, 9536098). Studies have shown that disruption of this splice site results in retention of intron 9 and introduces a new termination codon (PMID: 17185897). However the mRNA is not expected to undergo nonsense-mediated decay. Experimental studies have shown that disruption of this splice site affects MEN1 function (PMID: 17185897). Algorithms developed to predict the effect of variants on protein structure and function are not available or were not evaluated for this variant. ClinVar contains an entry for this variant (Variation ID: 241801). Disruption of this splice site has been observed in individuals with clinical features of multiple endocrine neoplasia type 1 (PMID: 10617276; Invitae). This variant is not present in population databases (gnomAD no frequency). This sequence change affects an acceptor splice site in intron 9 of the MEN1 gene. RNA analysis indicates that disruption of this splice site induces altered splicing and likely disrupts the C-terminus of the protein.

Literature cited by the submitters: PubMed 17576681; PubMed 9536098; PubMed 17185897; PubMed 10617276.